The following is an entry in ClinVar:

NC_000006.11:g.(?_75796253)_(75855181_?)del

Gene: COL12A1 (collagen type XII alpha 1 chain; minus strand). Cytogenetic location: 6q13.
Variant type: Deletion.
Identifiers: ClinVar variation 1047029 (VCV001047029.6).

ClinVar aggregate classification (germline): Uncertain significance (1 of 4 stars; one submission).

Conditions:
Bethlem myopathy 2 (BTHLM2). Identifiers: Orphanet 536516, Orphanet 610, MedGen C4225313, MONDO:0034022, OMIM 616471.
Ullrich congenital muscular dystrophy 2 (UCMD2). Identifiers: Orphanet 75840, MedGen C4225314, MONDO:0014654, OMIM 616470.

Submission:

Labcorp Genetics (formerly Invitae), Labcorp
Classification: Uncertain significance for Bethlem myopathy 2; Ullrich congenital muscular dystrophy 2. Last evaluated: 2020-07-03. Review status: criteria provided, single submitter. Criteria: Invitae Variant Classification Sherloc (09022015). Collection method: clinical testing. Allele origin: germline.
Comment: In summary, the available evidence is currently insufficient to determine the role of this variant in disease. Therefore, it has been classified as a Variant of Uncertain Significance. Experimental studies and prediction algorithms are not available or were not evaluated, and the functional significance of this variant is currently unknown. This variant has not been reported in the literature in individuals with COL12A1-related conditions. This variant is a gross deletion of the genomic region encompassing exon(s) 25-66 of the COL12A1 gene. The 5' boundary is likely confined to intron 24. The 3' end of this event is unknown as it extends through the termination codon beyond the assayed region for this gene and may encompass additional genes. While this deletion is not anticipated to result in nonsense mediated decay, it is expected to create a truncated protein product or disrupt mRNA translation.